The following is an entry in ClinVar:

NM_000388.4(CASR):c.1100del (p.Pro367fs)

Gene: CASR (calcium sensing receptor; plus strand). Cytogenetic location: 3q21.1.
Variant type: Deletion.
Coding change: c.1100del on transcript NM_000388.4 (MANE Select); coding-DNA position 1100, one base deleted (C; older notation c.1100delC).
Protein change: p.Pro367fs; shifts the reading frame from proline 367.
Molecular consequence: frameshift variant.
Genome position (GRCh38, 1-based): chr3:122,262,135, C deleted; the last of 2 consecutive C bases (chr3:122,262,134-122,262,135); deleting either gives the same sequence. VCF-style (leftmost placement, unchanged base first): chr3-122262133-AC-A. GRCh37 (hg19) VCF-style: chr3-121980980-AC-A.
Other names: c.1100del, p.Pro367fs (NM_001178065.2); short protein forms P367fs.
Identifiers: ClinVar variation 3755904 (VCV003755904.2).

ClinVar aggregate classification (germline): Pathogenic (1 of 4 stars; one submission).

Conditions:
Familial hypocalciuric hypercalcemia (FHH). Also called: Familial benign hypercalcemia. Identifiers: Orphanet 405, MedGen C1809471, MONDO:0018458.
Autosomal dominant hypocalcemia 1 (HYPOC1). Also called: HYPOCALCEMIA, FAMILIAL. Identifiers: MedGen C3715128, MONDO:0011013, OMIM 601198.

Submission:

Labcorp Genetics (formerly Invitae), Labcorp
Classification: Pathogenic for Familial hypocalciuric hypercalcemia; Autosomal dominant hypocalcemia 1. Last evaluated: 2024-05-18. Review status: criteria provided, single submitter. Criteria: Invitae Variant Classification Sherloc (09022015). Collection method: clinical testing. Allele origin: germline.
Comment: This sequence change creates a premature translational stop signal (p.Pro367Leufs*8) in the CASR gene. It is expected to result in an absent or disrupted protein product. Loss-of-function variants in CASR are known to be pathogenic (PMID: 11807402, 14985373, 22422767). This variant is not present in population databases (gnomAD no frequency). This variant has not been reported in the literature in individuals affected with CASR-related conditions. For these reasons, this variant has been classified as Pathogenic.

Literature cited by the submitters: PubMed 11807402; PubMed 14985373; PubMed 22422767.